The following is an entry in ClinVar:

NM_001377.3(DYNC2H1):c.11383-5A>G

Gene: DYNC2H1 (dynein cytoplasmic 2 heavy chain 1; plus strand). Cytogenetic location: 11q22.3.
Variant type: single nucleotide variant.
Coding change: c.11383-5A>G on transcript NM_001377.3 (MANE Select); 5 bases into the intron before coding-DNA position 11383, A replaced by G.
Molecular consequence: intron variant.
Genome position (GRCh38, 1-based): chr11:103,307,716, A>G. VCF-style: chr11-103307716-A-G. GRCh37 (hg19) VCF-style: chr11-103178445-A-G.
Other names: c.11404-5A>G (NM_001080463.2).
Identifiers: ClinVar variation 963056 (VCV000963056.9), dbSNP rs1867360884, ClinGen allele CA1139662174.
Genomic context (GRCh38, chr11:103,307,716, plus strand): 5'-GTAATGTAAAAGAGAAACTTTCATATATATTTAAGTAAATTTTTGTCATTGGTTTTGTAA[A>G]CAAGGAATTGAATACTCTTCAACCTAAAGATACCTTTCGTCTTTGGCTCACTGCAGAAGT-3'

ClinVar aggregate classification (germline): Uncertain significance (1 of 4 stars; one submission).

Conditions:
Jeune thoracic dystrophy. Also called: Jeune syndrome; Infantile thoracic dystrophy; Thoracic pelvic phalangeal dystrophy; Jeune's syndrome; Chondroectodermal dysplasia-like syndrome; Short-rib thoracic dysplasia. Identifiers: Orphanet 474, MedGen C0265275, MONDO:0018770.

Submission:

Labcorp Genetics (formerly Invitae), Labcorp
Classification: Uncertain significance for Jeune thoracic dystrophy. Last evaluated: 2019-07-09. Review status: criteria provided, single submitter. Criteria: Invitae Variant Classification Sherloc (09022015). Collection method: clinical testing. Allele origin: germline.
Comment: Algorithms developed to predict the effect of sequence changes on RNA splicing suggest that this variant may disrupt the consensus splice site, but this prediction has not been confirmed by published transcriptional studies. In summary, the available evidence is currently insufficient to determine the role of this variant in disease. Therefore, it has been classified as a Variant of Uncertain Significance. This variant has not been reported in the literature in individuals with DYNC2H1-related conditions. This variant is not present in population databases (ExAC no frequency). This sequence change falls in intron 78 of the DYNC2H1 gene. It does not directly change the encoded amino acid sequence of the DYNC2H1 protein.